The following is an entry in ClinVar:

ClinVar aggregate classification (germline): Uncertain significance. Review status: criteria provided, multiple submitters, no conflicts (2 of 4 stars). 3 submissions from 3 submitters: Uncertain significance (3). Last evaluated 2026-01-19.

Conditions:
Inborn genetic diseases. Identifiers: MedGen C0950123, MeSH D030342.
Harel-Yoon syndrome (HAYOS). Also called: Optic atrophy-peripheral neuropathy-developmental delay syndrome. Identifiers: Orphanet 496790, MedGen C4310677, MONDO:0014958, OMIM 617183.

gnomAD v4.1: 24 of 1,613,934 alleles (0.0015%); highest among the groups gnomAD compares: Middle Eastern, 0.016%; no homozygotes.

Submissions (3):

Women's Health and Genetics/Laboratory Corporation of America, LabCorp
Classification: Uncertain significance. Last evaluated: 2026-01-19. Review status: criteria provided, single submitter. Criteria: LabCorp Variant Classification Summary - May 2015. Collection method: clinical testing. Allele origin: germline.
Comment: Variant summary: ATAD3A c.1025G>A (p.Arg342His) results in a non-conservative amino acid change in the encoded protein sequence. Algorithms developed to predict the effect of missense changes on protein structure and function are either unavailable or do not agree on the potential impact of this missense change. The variant allele was found at a frequency of 8e-06 in 251170 control chromosomes. The available data on variant occurrences in the general population are insufficient to allow any conclusion about variant significance. To our knowledge, no occurrence of c.1025G>A in individuals affected with ATAD3A-related conditions and no experimental evidence demonstrating its impact on protein function have been reported. ClinVar contains an entry for this variant (Variation ID: 3780130). Based on the evidence outlined above, the variant was classified as uncertain significance.

Ambry Genetics
Classification: Uncertain significance for Inborn genetic diseases. Last evaluated: 2025-09-28. Review status: criteria provided, single submitter. Criteria: Ambry Variant Classification Scheme 2023. Collection method: clinical testing. Allele origin: germline.

Department of Pathology and Laboratory Medicine, Sinai Health System
Classification: Uncertain significance for Harel-Yoon syndrome. Last evaluated: 2020-07-02. Review status: criteria provided, single submitter. Criteria: ACMG Guidelines, 2015. Collection method: research. Allele origin: germline.

NM_001170535.3(ATAD3A):c.1025G>A (p.Arg342His)

Gene: ATAD3A (ATPase family AAA domain containing 3A; plus strand). Cytogenetic location: 1p36.33.
Variant type: single nucleotide variant.
Coding change: c.1025G>A on transcript NM_001170535.3 (MANE Select); coding-DNA position 1025, G replaced by A.
Protein change: p.Arg342His; replaces arginine 342 with histidine.
Molecular consequence: missense variant.
Genome position (GRCh38, 1-based): chr1:1,523,900, G>A. VCF-style: chr1-1523900-G-A. GRCh37 (hg19) VCF-style: chr1-1459280-G-A.
Other names: c.788G>A, p.Arg263His (NM_001170536.3); c.1169G>A, p.Arg390His (NM_018188.5); c.1169G>A (NM_018188.3); short protein forms R263H, R342H, R390H.
Identifiers: ClinVar variation 3780130 (VCV003780130.3).